The following is an entry in ClinVar:

NC_000001.10:g.(?_167400918)_(168282240_?)dup

Genes: ADCY10 (adenylate cyclase 10; minus strand), CD247 (CD247 molecule; minus strand), CREG1 (cellular repressor of E1A stimulated genes 1; minus strand), DCAF6 (DDB1 and CUL4 associated factor 6; plus strand), GPR161 (G protein-coupled receptor 161; minus strand) and 6 more. Cytogenetic location: 1q24.2.
Variant type: Duplication.
Identifiers: ClinVar variation 2427631 (VCV002427631.3).

ClinVar aggregate classification (germline): Uncertain significance (1 of 4 stars; one submission).

Conditions:
Immunodeficiency 25. Also called: Immunodeficiency due to defect in cd3-zeta, somatic. Identifiers: MedGen C1857798, MONDO:0012426, OMIM 610163.

Submission:

Labcorp Genetics (formerly Invitae), Labcorp
Classification: Uncertain significance for Immunodeficiency 25. Last evaluated: 2021-03-25. Review status: criteria provided, single submitter. Criteria: Invitae Variant Classification Sherloc (09022015). Collection method: clinical testing. Allele origin: germline.
Comment: This variant results in a copy number gain of the genomic region encompassing the full coding sequence of the CD247 gene. The boundaries of this event are unknown as they extend beyond the assayed region for this gene and therefore may encompass additional genes. As the precise location of this event is unknown, it may be in tandem or it may be located elsewhere in the genome. This variant has not been reported in the literature in individuals with CD247-related conditions. Experimental studies and prediction algorithms are not available or were not evaluated, and the functional significance of this variant is currently unknown. In summary, the available evidence is currently insufficient to determine the role of this variant in disease. Therefore, it has been classified as a Variant of Uncertain Significance.